The following is an entry in ClinVar:

ClinVar aggregate classification (germline): Likely benign (0 of 4 stars; one submission).

Conditions:
CREBBP-related disorder. Also called: CREBBP-related condition; CREBBP-related disorders.

gnomAD v4.1: 1 of 1,614,116 alleles (0.000062%); highest among the groups gnomAD compares: African/African-American, 0.0013%; no homozygotes.

Submission:

PreventionGenetics, part of Exact Sciences
Classification: Likely benign for CREBBP-related condition. Last evaluated: 2022-07-14. Review status: no assertion criteria provided. Collection method: clinical testing. Allele origin: germline.
Comment: This variant is classified as likely benign based on ACMG/AMP sequence variant interpretation guidelines (Richards et al. 2015 PMID: 25741868, with internal and published modifications).

NM_004380.3(CREBBP):c.1563C>A (p.Leu521=)

Gene: CREBBP (CREB binding lysine acetyltransferase; minus strand). Cytogenetic location: 16p13.3.
Variant type: single nucleotide variant.
Coding change: c.1563C>A on transcript NM_004380.3 (MANE Select); coding-DNA position 1563, C replaced by A.
Protein change: p.Leu521=; no amino-acid change (leucine 521 retained).
Molecular consequence: synonymous variant.
Genome position (GRCh38, 1-based): chr16:3,782,694, G>T on the plus strand (C>A on the coding strand, the complement: CREBBP is on the minus strand). VCF-style: chr16-3782694-G-T. GRCh37 (hg19) VCF-style: chr16-3832695-G-T.
Other names: c.1449C>A, p.Leu483= (NM_001079846.1).
Identifiers: ClinVar variation 3354279 (VCV003354279.1).